The following is an entry in ClinVar:

NC_000014.8:g.(?_21756136)_(21756240_?)del

Gene: RPGRIP1 (RPGR interacting protein 1; plus strand). Cytogenetic location: 14q11.2.
Variant type: Deletion.
Identifiers: ClinVar variation 1459438 (VCV001459438.5).

ClinVar aggregate classification (germline): Pathogenic (1 of 4 stars; one submission).

Conditions:
Cone-rod dystrophy 13 (CORD13). Identifiers: Orphanet 1872, MedGen C2750720, MONDO:0011987, OMIM 608194.
Leber congenital amaurosis 6 (LCA6). Identifiers: Orphanet 65, MedGen C1854260, MONDO:0013446, OMIM 613826.

Submission:

Labcorp Genetics (formerly Invitae), Labcorp
Classification: Pathogenic for Leber congenital amaurosis 6; Cone-rod dystrophy 13. Last evaluated: 2022-04-12. Review status: criteria provided, single submitter. Criteria: Invitae Variant Classification Sherloc (09022015). Collection method: clinical testing. Allele origin: germline.
Comment: This variant has not been reported in the literature in individuals affected with RPGRIP1-related conditions. For these reasons, this variant has been classified as Pathogenic. This variant is a gross deletion of the genomic region encompassing exon(s) 1 of the RPGRIP1 gene, which includes the initiator codon. This deletion extends beyond the assayed region for this gene and therefore may encompass additional genes. It is expected to result in an absent or disrupted protein product. Loss-of-function variants in RPGRIP1 are known to be pathogenic (PMID: 11528500, 23105016).

Literature cited by the submitters: PubMed 11528500; PubMed 23105016.